The following is an entry in ClinVar:

NM_002017.5(FLI1):c.520G>A (p.Asp174Asn)

Gene: FLI1 (Fli-1 proto-oncogene, ETS transcription factor; plus strand). Cytogenetic location: 11q24.3.
Variant type: single nucleotide variant.
Coding change: c.520G>A on transcript NM_002017.5 (MANE Select); coding-DNA position 520, G replaced by A.
Protein change: p.Asp174Asn; replaces aspartic acid 174 with asparagine.
Molecular consequence: missense variant. On other transcripts: intron variant (1).
Genome position (GRCh38, 1-based): chr11:128,772,916, G>A. VCF-style: chr11-128772916-G-A. GRCh37 (hg19) VCF-style: chr11-128642811-G-A.
Other names: c.421G>A, p.Asp141Asn (NM_001167681.3); c.322G>A, p.Asp108Asn (NM_001271010.2); c.11-9042G>A (NM_001271012.2); short protein forms D108N, D141N, D174N.
Identifiers: ClinVar variation 3702567 (VCV003702567.2).

ClinVar aggregate classification (germline): Uncertain significance (1 of 4 stars; one submission).

gnomAD v4.1: 1 of 1,613,904 alleles (0.000062%); highest among the groups gnomAD compares: East Asian, 0.0022%; no homozygotes.

Submission:

Labcorp Genetics (formerly Invitae), Labcorp
Classification: Uncertain significance. Last evaluated: 2024-05-09. Review status: criteria provided, single submitter. Criteria: Invitae Variant Classification Sherloc (09022015). Collection method: clinical testing. Allele origin: germline.
Comment: This sequence change replaces aspartic acid, which is acidic and polar, with asparagine, which is neutral and polar, at codon 174 of the FLI1 protein (p.Asp174Asn). This variant is present in population databases (no rsID available, gnomAD 0.06%). This variant has not been reported in the literature in individuals affected with FLI1-related conditions. Advanced modeling of protein sequence and biophysical properties (such as structural, functional, and spatial information, amino acid conservation, physicochemical variation, residue mobility, and thermodynamic stability) performed at Invitae indicates that this missense variant is not expected to disrupt FLI1 protein function with a negative predictive value of 80%. In summary, the available evidence is currently insufficient to determine the role of this variant in disease. Therefore, it has been classified as a Variant of Uncertain Significance.